The following is an entry in ClinVar:

ClinVar aggregate classification (germline): Pathogenic. Review status: criteria provided, single submitter (1 of 4 stars). 2 submissions from 2 submitters: Pathogenic (1). 1 of the submissions does not count toward it. Last evaluated 2023-10-15.

Conditions:
X-linked Alport syndrome (ATS1). Also called: NEPHROPATHY AND DEAFNESS, X-LINKED; COL4A5-Related Nephropathy. Identifiers: Orphanet 63, Orphanet 88917, MedGen C4746986, MONDO:0010520, OMIM 301050.

Submissions (2):

Labcorp Genetics (formerly Invitae), Labcorp
Classification: Pathogenic. Last evaluated: 2023-10-15. Review status: criteria provided, single submitter. Criteria: Invitae Variant Classification Sherloc (09022015). Collection method: clinical testing. Allele origin: germline.
Comment: This sequence change affects an acceptor splice site in intron 9 of the COL4A5 gene. It is expected to disrupt RNA splicing. Variants that disrupt the donor or acceptor splice site typically lead to a loss of protein function (PMID: 16199547), and loss-of-function variants in COL4A5 are known to be pathogenic (PMID: 9195222, 10752524, 14514738, 24854265, 26809805). This variant is not present in population databases (gnomAD no frequency). Disruption of this splice site has been observed in individuals with Alport syndrome (PMID: 11462238, 20378821). This variant is also known as c.749-1G>A. Algorithms developed to predict the effect of sequence changes on RNA splicing suggest that this variant may disrupt the consensus splice site. For these reasons, this variant has been classified as Pathogenic.

Medical Genetics Department, Charles Nicolle Hospital Tunis
Classification: Likely pathogenic for X-linked Alport syndrome. Last evaluated: 2022-09-05. Review status: no assertion criteria provided. Collection method: clinical testing. Allele origin: inherited. Inheritance: X-linked dominant inheritance. Affected: yes. Observed: 1 hemizygote. Not counted in ClinVar's aggregate classification.
Comment: DNA sequencing revealed a novel hemizygous splicing mutation, NM_000495: c.547-1G>A, in three males from a Tunisian family. This splicing mutation, NM_000495: c.547-1G>A, was not found in the NHLBI Exome Variant Server or the ClinVar database. Analysis of NM_000495: c.547-1G>A using Alamut predicted a highly probable exon 10 skipping. The segregation pattern is consistent with an X-linked dominant mode. Notably, this novel mutation was absent in 50 control Tunisian samples.

Literature cited by the submitters: PubMed 16199547 (cited by Labcorp Genetics (formerly Invitae), Labcorp); PubMed 9195222 (cited by Labcorp Genetics (formerly Invitae), Labcorp); PubMed 10752524 (cited by Labcorp Genetics (formerly Invitae), Labcorp); PubMed 14514738 (cited by Labcorp Genetics (formerly Invitae), Labcorp); PubMed 24854265 (cited by Labcorp Genetics (formerly Invitae), Labcorp); PubMed 26809805 (cited by Labcorp Genetics (formerly Invitae), Labcorp); PubMed 11462238 (cited by Labcorp Genetics (formerly Invitae), Labcorp); PubMed 20378821 (cited by Labcorp Genetics (formerly Invitae), Labcorp); DOI 10.1681/ASN.2009070784 (cited by Medical Genetics Department, Charles Nicolle Hospital Tunis).

NM_033380.3(COL4A5):c.547-1G>A

Gene: COL4A5 (collagen type IV alpha 5 chain; plus strand). Cytogenetic location: Xq22.3.
Variant type: single nucleotide variant.
Coding change: c.547-1G>A on transcript NM_033380.3 (MANE Select); the canonical splice acceptor site of the intron before coding-DNA position 547, G replaced by A.
Molecular consequence: splice acceptor variant.
Genome position (GRCh38, 1-based): chrX:108,575,909, G>A. VCF-style: chrX-108575909-G-A. GRCh37 (hg19) VCF-style: chrX-107819139-G-A.
Other names: c.547-1G>A (NM_000495.5).
Identifiers: ClinVar variation 2627802 (VCV002627802.5), dbSNP rs104886431, ClinGen allele CA258268.